The following is an entry in ClinVar:

ClinVar aggregate classification (germline): Likely benign (1 of 4 stars; one submission).

gnomAD v4.1: 3 of 1,536,056 alleles (0.0002%); highest among the groups gnomAD compares: Non-Finnish European, 0.00026%; no homozygotes.

Submission:

CeGaT Center for Human Genetics Tuebingen
Classification: Likely benign. Last evaluated: 2025-06-01. Review status: criteria provided, single submitter. Criteria: CeGaT Center For Human Genetics Tuebingen Variant Classification Criteria Version 2. Collection method: clinical testing. Allele origin: germline. Affected: yes. Observed: 1 variant allele.
Comment: ZEB2: BP4, BP7

NM_014795.4(ZEB2):c.73+3509C>T

Gene: ZEB2 (zinc finger E-box binding homeobox 2; minus strand). Cytogenetic location: 2q22.3.
Variant type: single nucleotide variant.
Coding change: c.73+3509C>T on transcript NM_014795.4 (MANE Select); 3509 bases into the intron after coding-DNA position 73, C replaced by T.
Molecular consequence: intron variant. On other transcripts: non-coding transcript variant (1).
Genome position (GRCh38, 1-based): chr2:144,513,769, G>A on the plus strand (C>T on the coding strand, the complement: ZEB2 is on the minus strand). VCF-style: chr2-144513769-G-A. GRCh37 (hg19) VCF-style: chr2-145271336-G-A.
Other names: c.73+3509C>T (NM_001171653.2).
Identifiers: ClinVar variation 4084568 (VCV004084568.8).